The following is an entry in ClinVar:

ClinVar aggregate classification (germline): Uncertain significance (1 of 4 stars; one submission).

Conditions:
Hereditary cancer-predisposing syndrome. Also called: Hereditary Cancer Syndrome; Tumor predisposition; Hereditary neoplastic syndrome; Neoplastic Syndromes, Hereditary. Identifiers: Orphanet 140162, MedGen C0027672, MeSH D009386, MONDO:0015356.

Submission:

Ambry Genetics
Classification: Uncertain significance for Hereditary cancer-predisposing syndrome. Last evaluated: 2024-06-08. Review status: criteria provided, single submitter. Criteria: Ambry Variant Classification Scheme 2023. Collection method: clinical testing. Allele origin: germline.
Comment: The p.Y446H variant (also known as c.1336T>C), located in coding exon 5 of the BARD1 gene, results from a T to C substitution at nucleotide position 1336. The tyrosine at codon 446 is replaced by histidine, an amino acid with similar properties. This amino acid position is conserved. In addition, this alteration is predicted to be tolerated by in silico analysis. Based on the available evidence, the clinical significance of this variant remains unclear.

NM_000465.4(BARD1):c.1336T>C (p.Tyr446His)

Gene: BARD1 (BRCA1 associated RING domain 1; minus strand). Cytogenetic location: 2q35.
Variant type: single nucleotide variant.
Coding change: c.1336T>C on transcript NM_000465.4 (MANE Select); coding-DNA position 1336, T replaced by C.
Protein change: p.Tyr446His; replaces tyrosine 446 with histidine.
Molecular consequence: missense variant. On other transcripts: non-coding transcript variant (3), intron variant (3).
Genome position (GRCh38, 1-based): chr2:214,769,291, A>G on the plus strand (T>C on the coding strand, the complement: BARD1 is on the minus strand). VCF-style: chr2-214769291-A-G. GRCh37 (hg19) VCF-style: chr2-215634015-A-G.
Other names: c.1279T>C, p.Tyr427His (NM_001282543.2); c.159-16736T>C (NM_001282548.2); c.216-16736T>C (NM_001282545.2); c.364+23006T>C (NM_001282549.2); short protein forms Y427H, Y446H.
Identifiers: ClinVar variation 3260414 (VCV003260414.1).